The following is an entry in ClinVar:

ClinVar aggregate classification (germline): Uncertain significance (1 of 4 stars; one submission).

Allele frequency attached by ClinVar (database versions not stated): gnomAD exomes below 0.00001 and 0.00001.
gnomAD v4.1: 7 of 1,613,534 alleles (0.00043%); highest among the groups gnomAD compares: East Asian, 0.016%; no homozygotes.

Submission:

GeneDx
Classification: Uncertain significance. Last evaluated: 2019-08-14. Review status: criteria provided, single submitter. Criteria: GeneDx Variant Classification Process June 2021. Collection method: clinical testing. Allele origin: germline. Affected: yes.
Comment: In silico analysis, which includes protein predictors and evolutionary conservation, supports a deleterious effect; Has not been previously published as pathogenic or benign to our knowledge

NM_015378.4(VPS13D):c.8567A>G (p.Tyr2856Cys)

Gene: VPS13D (vacuolar protein sorting 13 homolog D; plus strand). Cytogenetic location: 1p36.22.
Variant type: single nucleotide variant.
Coding change: c.8567A>G on transcript NM_015378.4 (MANE Select); coding-DNA position 8567, A replaced by G.
Protein change: p.Tyr2856Cys; replaces tyrosine 2856 with cysteine.
Molecular consequence: missense variant. On other transcripts: intron variant (1).
Genome position (GRCh38, 1-based): chr1:12,338,246, A>G. VCF-style: chr1-12338246-A-G. GRCh37 (hg19) VCF-style: chr1-12398303-A-G.
Other names: c.8551+2419A>G (NM_018156.4); short protein forms Y2856C.
Identifiers: ClinVar variation 1307720 (VCV001307720.2), dbSNP rs1410729337, ClinGen allele CA338488458.